The following is an entry in ClinVar:

NM_182493.3(MYLK3):c.1591A>G (p.Arg531Gly)

Gene: MYLK3 (myosin light chain kinase 3; minus strand). Cytogenetic location: 16q11.2.
Variant type: single nucleotide variant.
Coding change: c.1591A>G on transcript NM_182493.3 (MANE Select); coding-DNA position 1591, A replaced by G.
Protein change: p.Arg531Gly; replaces arginine 531 with glycine.
Molecular consequence: missense variant.
Genome position (GRCh38, 1-based): chr16:46,729,665, T>C on the plus strand (A>G on the coding strand, the complement: MYLK3 is on the minus strand). VCF-style: chr16-46729665-T-C. GRCh37 (hg19) VCF-style: chr16-46763577-T-C.
Other names: c.568A>G, p.Arg190Gly (NM_001308301.1); short protein forms R190G, R531G.
Identifiers: ClinVar variation 2132539 (VCV002132539.4), dbSNP rs2548904680, ClinGen allele CA395791348.
Genomic context (GRCh38, chr16:46,729,665, plus strand): 5'-CGCTCTTCACTTTGATGATCTTGGCAGCCAGTGGGAGGCCTGTGGACTTCTCTGTGCACC[T>C]GTGGACCTGGCCAAACCGACCCCTGCAGAGACATAGCCACACGGCAGGCTGAGAGCCCAG-3'
Protein context (NP_872299.2, residues 521-541): LGGGRFGQVH[Arg531Gly]CTEKSTGLPL

ClinVar aggregate classification (germline): Uncertain significance (1 of 4 stars; one submission).

Submission:

Labcorp Genetics (formerly Invitae), Labcorp
Classification: Uncertain significance. Last evaluated: 2022-05-01. Review status: criteria provided, single submitter. Criteria: Invitae Variant Classification Sherloc (09022015). Collection method: clinical testing. Allele origin: germline.
Comment: In summary, the available evidence is currently insufficient to determine the role of this variant in disease. Therefore, it has been classified as a Variant of Uncertain Significance. Algorithms developed to predict the effect of missense changes on protein structure and function are either unavailable or do not agree on the potential impact of this missense change (SIFT: "Tolerated"; PolyPhen-2: "Possibly Damaging"; Align-GVGD: "Class C0"). This variant has not been reported in the literature in individuals affected with MYLK3-related conditions. This variant is not present in population databases (gnomAD no frequency). This sequence change replaces arginine, which is basic and polar, with glycine, which is neutral and non-polar, at codon 531 of the MYLK3 protein (p.Arg531Gly).